The following is an entry in ClinVar:

ClinVar aggregate classification (germline): Uncertain significance. Review status: reviewed by expert panel (3 of 4 stars). 4 submissions from 4 submitters: Uncertain significance (1). 3 of the submissions do not count toward it. Last evaluated 2024-04-23.

Conditions:
Hypomagnesemia, hypertension, and hypercholesterolemia, mitochondrial. Identifiers: MedGen C1839021, MONDO:0010776, OMIM 500005.
Mitochondrial disease. Also called: Mitochondrial disorder; Mitochondrial disorders. Identifiers: Orphanet 68380, MedGen C0751651, MeSH D028361, MONDO:0044970.

Submissions (4):

ClinGen Mitochondrial Disease Nuclear and Mitochondrial  Variant Curation Expert Panel, ClinGen
Classification: Uncertain significance for Mitochondrial disease. Last evaluated: 2024-04-23. Review status: reviewed by expert panel. Criteria: clingen mito disease acmg specifications v1-1. Collection method: curation. Allele origin: germline. Inheritance: Mitochondrial inheritance.
Comment: The m.4291T>C variant in MT-TI has been reported in five probands with primary mitochondrial disease (PMIDs: 15498972, 34607911; PS4_moderate). Affected individuals had variable hypomagnesemia and hypokalemia (consistent with Gitelman-like syndrome), migraines, sensorineural hearing loss, and hypertrophic cardiomyopathy. In one affected individual, ragged red fibers, increased subsarcolemmal staining, cytoplasmic lipid accumulation, increased glycogen, and dysmorphic cristae were seen on muscle biopsy (PMID: 15498972). The variant was present at homoplasmy or near homoplasmy in all reported individuals. While the variant was also present at high levels in unaffected family members, no children of affected fathers had clinical features in one large pedigree (PMID: 15498972, PP1). Fibroblasts from affected individuals showed decreased maximal mitochondrial respiration and reduced complex IV activity (PMID: 34607911; PP4). This variant is absent in the MITOMAP GenBank dataset, gnomAD v3.1.2, and the Helix dataset (PM2_supporting). In silico predictors are conflicting as the computational predictor MitoTIP suggests this variant is possibly benign (31.8 percentile) but HmtVAR predicts it to be deleterious with a score of 0.4. There are no cybrids or single fiber studies reported on this variant. In summary, this variant meets criteria to be classified as uncertain significance for primary mitochondrial disease inherited in a mitochondrial manner. Of note, this is a highly compelling variant of uncertain significance given the consistent phenotype in affected individuals. This classification was approved by the NICHD/NINDS U24 ClinGen Mitochondrial Disease Variant Curation Expert Panel on April 23, 2024. Mitochondrial DNA-specific ACMG/AMP criteria applied (PMID: 32906214): PS4_moderate, PP1, PP4, PM2_supporting.

Joint Genome Diagnostic Labs from Nijmegen and Maastricht, Radboudumc and MUMC+
Classification: Pathogenic for Hypomagnesemia, hypertension, and hypercholesterolemia, mitochondrial. Last evaluated: 2021-07-07. Review status: criteria provided, single submitter. Criteria: mtDNA variant interpretation. Collection method: clinical testing. Allele origin: maternal. Inheritance: Mitochondrial inheritance. Affected: yes. Not counted in ClinVar's aggregate classification.
Comment: The m.4291T>C variant was observed in 4 families affected by hypomagnesemia with renal magnesium wasting and hypokalemia.(Viering et al. 2021) The (near) homoplasmic variant cosegregated with disease. The variant was scored as pathogenic when using the system published by Wong et al. (2020) as basis: PS2, PS4, PM9, PM10, PP6 (additionally, PP7 and PS5 were previously met in a study by Wilson et al. 2004).

Undiagnosed Diseases Network, NIH
Classification: Pathogenic for Hypomagnesemia, hypertension, and hypercholesterolemia, mitochondrial. Last evaluated: 2022-11-09. Review status: no assertion criteria provided. Collection method: clinical testing. Allele origin: germline. Inheritance: Mitochondrial inheritance. Affected: yes. Observed: 1 variant allele, 1 homozygote. Not counted in ClinVar's aggregate classification.

OMIM
Classification: Pathogenic for HYPERTENSION, HYPERCHOLESTEROLEMIA, AND HYPOMAGNESEMIA, MITOCHONDRIAL. Last evaluated: 2004-11-12. Review status: no assertion criteria provided. Collection method: literature only. Allele origin: germline. Not counted in ClinVar's aggregate classification.

Literature cited by the submitters: PubMed 15498972 (cited by Joint Genome Diagnostic Labs from Nijmegen and Maastricht, Radboudumc and MUMC+ and OMIM); PubMed 34607911 (cited by Undiagnosed Diseases Network, NIH).

NC_012920.1(MT-TI):m.4291T>C

Gene: MT-TI (mitochondrially encoded tRNA isoleucine; plus strand).
Variant type: single nucleotide variant.
Genome position: chrM-4291-T-C.
Other names: 4291T-C.
Identifiers: ClinVar variation 9607 (VCV000009607.7), dbSNP rs121434471, ClinGen allele CA120573.